The following is an entry in ClinVar:

ClinVar aggregate classification (germline): Pathogenic (1 of 4 stars; one submission).

Conditions:
Neurofibromatosis, type 1 (NF1). Also called: VON RECKLINGHAUSEN DISEASE; NEUROFIBROMATOSIS, TYPE I, SOMATIC; Peripheral type neurofibromatosis; Neurofibromatosis, type I. Identifiers: Orphanet 636, MedGen C0027831, MONDO:0018975, OMIM 162200. Disease mechanism: loss of function.

Submission:

Labcorp Genetics (formerly Invitae), Labcorp
Classification: Pathogenic for Neurofibromatosis, type 1. Last evaluated: 2021-05-13. Review status: criteria provided, single submitter. Criteria: Invitae Variant Classification Sherloc (09022015). Collection method: clinical testing. Allele origin: germline.
Comment: For these reasons, this variant has been classified as Pathogenic. Donor and acceptor splice site variants typically lead to a loss of protein function (PMID: 16199547), and loss-of-function variants in NF1 are known to be pathogenic (PMID: 10712197, 23913538). This variant has been observed in an individual affected with neurofibromatosis type 1 (PMID: 25074460). ClinVar contains an entry for this variant (Variation ID: 237536). This sequence change affects a donor splice site in intron 20 of the NF1 gene. It is expected to disrupt RNA splicing and likely results in an absent or disrupted protein product. This variant is not present in population databases (ExAC no frequency).

Literature cited by the submitters: PubMed 16199547; PubMed 10712197; PubMed 23913538; PubMed 25074460.

NM_001042492.3(NF1):c.2409+2del

Gene: NF1 (neurofibromin 1; plus strand). Cytogenetic location: 17q11.2.
Variant type: Deletion.
Coding change: c.2409+2del on transcript NM_001042492.3 (MANE Select); the canonical splice donor site of the intron after coding-DNA position 2409, one base deleted (T; older notation c.2409+2delT).
Molecular consequence: splice donor variant.
Genome position (GRCh38, 1-based): chr17:31,227,608, T deleted. VCF-style (leftmost placement, unchanged base first): chr17-31227607-GT-G. GRCh37 (hg19) VCF-style: chr17-29554625-GT-G.
Other names: c.2409+2delT (NM_000267.3); c.2409+2del (NM_000267.4).
Identifiers: ClinVar variation 237536 (VCV000237536.7), dbSNP rs878853875, ClinGen allele CA10583484.
Genomic context (GRCh38, chr17:31,227,607, plus strand): 5'-TGGGAACAAGCAACAAAGCTAATCCTTAACTATCCAAAAGCCAAAATGGAAGATGGCCAG[GT>G]AAGTCTGTAAAGTTGACTTTTGTCTGTTAACTGATCTGCTAAATATATGTACTTCACTTT-3'